The following is an entry in ClinVar:

NM_021098.3(CACNA1H):c.1283G>A (p.Arg428Gln)

Gene: CACNA1H (calcium voltage-gated channel subunit alpha1 H; plus strand). Cytogenetic location: 16p13.3.
Variant type: single nucleotide variant.
Coding change: c.1283G>A on transcript NM_021098.3 (MANE Select); coding-DNA position 1283, G replaced by A.
Protein change: p.Arg428Gln; replaces arginine 428 with glutamine.
Molecular consequence: missense variant.
Genome position (GRCh38, 1-based): chr16:1,201,733, G>A. VCF-style: chr16-1201733-G-A. GRCh37 (hg19) VCF-style: chr16-1251733-G-A.
Other names: c.1283G>A, p.Arg428Gln (NM_001005407.2); short protein forms R428Q.
Identifiers: ClinVar variation 1512823 (VCV001512823.9), dbSNP rs1452763580, ClinGen allele CA394159977.
Genomic context (GRCh38, chr16:1,201,733, plus strand): 5'-TCTTCATGATCAACCTGTGCCTGGTGGTGATTGCCACGCAGTTCTCGGAGACGAAGCAGC[G>A]GGAGAGTCAGCTGATGCGGGAGCAGCGGGCACGCCACCTGTCCAACGACAGCACGCTGGC-3'
Protein context (NP_066921.2, residues 418-438): IATQFSETKQ[Arg428Gln]ESQLMREQRA

ClinVar aggregate classification (germline): Uncertain significance. Review status: criteria provided, multiple submitters, no conflicts (2 of 4 stars). 2 submissions from 2 submitters: Uncertain significance (2). Last evaluated 2024-06-09.

Conditions:
Epilepsy, childhood absence, susceptibility to, 6. Identifiers: Orphanet 64280, MedGen C2749872, MONDO:0012763, OMIM 611942.
Hyperaldosteronism, familial, type IV (HALD4). Also called: FH IV; ALDOSTERONISM, PRIMARY, AND HYPERTENSION. Identifiers: Orphanet 642671, MedGen C4310756, MONDO:0014875, OMIM 617027.
Idiopathic generalized epilepsy. Also called: EIG; Generalised epilepsy. Identifiers: MedGen C0270850, MONDO:0005579, OMIM 600669.

Allele frequency attached by ClinVar (database versions not stated): gnomAD exomes 0.00001; TOPMed 0.00001.
gnomAD v4.1: 7 of 1,610,640 alleles (0.00043%); highest among the groups gnomAD compares: East Asian, 0.0022%; no homozygotes.

Submissions (2):

Fulgent Genetics
Classification: Uncertain significance for Epilepsy, childhood absence, susceptibility to, 6; Hyperaldosteronism, familial, type IV. Last evaluated: 2024-06-09. Review status: criteria provided, single submitter. Criteria: ACMG Guidelines, 2015. Collection method: clinical testing. Allele origin: germline.

Labcorp Genetics (formerly Invitae), Labcorp
Classification: Uncertain significance for Idiopathic generalized epilepsy; Hyperaldosteronism, familial, type IV. Last evaluated: 2022-07-05. Review status: criteria provided, single submitter. Criteria: Invitae Variant Classification Sherloc (09022015). Collection method: clinical testing. Allele origin: germline.
Comment: This sequence change replaces arginine, which is basic and polar, with glutamine, which is neutral and polar, at codon 428 of the CACNA1H protein (p.Arg428Gln). This variant is not present in population databases (gnomAD no frequency). This variant has not been reported in the literature in individuals affected with CACNA1H-related conditions. ClinVar contains an entry for this variant (Variation ID: 1512823). Algorithms developed to predict the effect of missense changes on protein structure and function are either unavailable or do not agree on the potential impact of this missense change (SIFT: "Deleterious"; PolyPhen-2: "Probably Damaging"; Align-GVGD: "Class C0"). In summary, the available evidence is currently insufficient to determine the role of this variant in disease. Therefore, it has been classified as a Variant of Uncertain Significance.